The following is an entry in ClinVar:

ClinVar aggregate classification (germline): Uncertain significance. Review status: criteria provided, multiple submitters, no conflicts (2 of 4 stars). 2 submissions from 2 submitters: Uncertain significance (2). Last evaluated 2025-10-15.

Conditions:
Autosomal dominant nocturnal frontal lobe epilepsy 5. Also called: KCNT1-Related Epilepsy; Epilepsy, nocturnal frontal lobe, 5; CILIARY DYSKINESIA, PRIMARY, 28, WITHOUT SITUS INVERSUS; CILIARY DYSKINESIA, PRIMARY, 28, WITH SITUS INVERSUS. Identifiers: Orphanet 98784, MedGen C3554306, MONDO:0014002, OMIM 615005.
Developmental and epileptic encephalopathy, 14 (DEE14). Also called: Early infantile epileptic encephalopathy 14. Identifiers: Orphanet 293181, MedGen C3554195, MONDO:0013989, OMIM 614959.

Allele frequency attached by ClinVar (database versions not stated): gnomAD exomes 0.00001 and 0.00007.
gnomAD v4.1: 104 of 1,607,238 alleles (0.0065%); highest among the groups gnomAD compares: Non-Finnish European, 0.0088%; no homozygotes.

Submissions (2):

Women's Health and Genetics/Laboratory Corporation of America, LabCorp
Classification: Uncertain significance. Last evaluated: 2025-10-15. Review status: criteria provided, single submitter. Criteria: LabCorp Variant Classification Summary - May 2015. Collection method: clinical testing. Allele origin: germline.
Comment: Variant summary: KCNT1 c.110+5A>G alters a conserved nucleotide located close to a canonical splice site and therefore could affect mRNA splicing, leading to a significantly altered protein sequence. Several computational tools predict a significant impact on normal splicing: Two predict the variant creates a cryptic 5' donor site. However, these predictions have yet to be confirmed by functional studies. The variant allele was found at a frequency of 8.2e-06 in 242972 control chromosomes. The available data on variant occurrences in the general population are insufficient to allow any conclusion about variant significance. To our knowledge, no occurrence of c.110+5A>G in individuals affected with KCNT1-related conditions and no experimental evidence demonstrating its impact on protein function have been reported. ClinVar contains an entry for this variant (Variation ID: 1466473). Based on the evidence outlined above, the variant was classified as uncertain significance.

Labcorp Genetics (formerly Invitae), Labcorp
Classification: Uncertain significance for Autosomal dominant nocturnal frontal lobe epilepsy 5; Developmental and epileptic encephalopathy, 14. Last evaluated: 2024-08-31. Review status: criteria provided, single submitter. Criteria: Invitae Variant Classification Sherloc (09022015). Collection method: clinical testing. Allele origin: germline.
Comment: This sequence change falls in intron 1 of the KCNT1 gene. It does not directly change the encoded amino acid sequence of the KCNT1 protein. It affects a nucleotide within the consensus splice site. This variant is present in population databases (rs768926196, gnomAD 0.002%). This variant has not been reported in the literature in individuals affected with KCNT1-related conditions. ClinVar contains an entry for this variant (Variation ID: 1466473). Variants that disrupt the consensus splice site are a relatively common cause of aberrant splicing (PMID: 17576681, 9536098). Algorithms developed to predict the effect of sequence changes on RNA splicing suggest that this variant is not likely to affect RNA splicing. In summary, the available evidence is currently insufficient to determine the role of this variant in disease. Therefore, it has been classified as a Variant of Uncertain Significance.

Literature cited by the submitters: PubMed 17576681 (cited by Labcorp Genetics (formerly Invitae), Labcorp); PubMed 9536098 (cited by Labcorp Genetics (formerly Invitae), Labcorp).

NM_020822.3(KCNT1):c.110+5A>G

Gene: KCNT1 (potassium sodium-activated channel subfamily T member 1; plus strand). Cytogenetic location: 9q34.3.
Variant type: single nucleotide variant.
Coding change: c.110+5A>G on transcript NM_020822.3 (MANE Select); 5 bases into the intron after coding-DNA position 110, A replaced by G.
Molecular consequence: intron variant.
Genome position (GRCh38, 1-based): chr9:135,702,373, A>G. VCF-style: chr9-135702373-A-G. GRCh37 (hg19) VCF-style: chr9-138594219-A-G.
Other names: c.110+5A>G (NM_001272003.2).
Identifiers: ClinVar variation 1466473 (VCV001466473.7), dbSNP rs768926196, ClinGen allele CA5326264.
Genomic context (GRCh38, chr9:135,702,373, plus strand): 5'-GGCGGGGGCTACACCAACCGGACCTTCGAGTTTGACGACGGCCAATGCGCCCCCAGGTAC[A>G]GTCTGCTGCGCCCTCCCCACGCGGGGAGGCCCCGGTCTAACCTAAGACCCCCAAGTTCCC-3'